The following is an entry in ClinVar:

NM_017934.7(PHIP):c.4519A>G (p.Arg1507Gly)

Genes: IRAK1BP1 (interleukin 1 receptor associated kinase 1 binding protein 1; plus strand), PHIP (pleckstrin homology domain interacting protein; minus strand). Cytogenetic location: 6q14.1.
Variant type: single nucleotide variant.
Coding change: c.4519A>G on transcript NM_017934.7 (MANE Select); coding-DNA position 4519, A replaced by G.
Protein change: p.Arg1507Gly; replaces arginine 1507 with glycine.
Molecular consequence: missense variant.
Genome position (GRCh38, 1-based): chr6:78,946,112, T>C on the plus strand (A>G on the coding strand, the complement: PHIP is on the minus strand). VCF-style: chr6-78946112-T-C. GRCh37 (hg19) VCF-style: chr6-79655829-T-C.
Other names: short protein forms R1507G.
Identifiers: ClinVar variation 1311283 (VCV001311283.2), dbSNP rs2127682261, ClinGen allele CA364637286.

ClinVar aggregate classification (germline): Uncertain significance (1 of 4 stars; one submission).

Submission:

GeneDx
Classification: Uncertain significance. Last evaluated: 2020-01-13. Review status: criteria provided, single submitter. Criteria: GeneDx Variant Classification Process June 2021. Collection method: clinical testing. Allele origin: germline. Affected: yes.
Comment: Not observed in large population cohorts (Lek et al., 2016); In silico analysis, which includes protein predictors and evolutionary conservation, supports that this variant does not alter protein structure/function; Has not been previously published as pathogenic or benign to our knowledge